The following is an entry in ClinVar:

ClinVar aggregate classification (germline): Benign/Likely benign. Review status: criteria provided, multiple submitters, no conflicts (2 of 4 stars). 10 submissions from 9 submitters: Benign (6); Likely benign (1). 3 of the submissions do not count toward it. Last evaluated 2026-05-11.

Conditions:
MATN3-related disorder. Also called: MATN3-related condition.
Multiple epiphyseal dysplasia type 5 (EDM5). Also called: MATN3-Related Multiple Epiphyseal Dysplasia; Microepiphyseal dysplasia, bilateral hereditary. Identifiers: Orphanet 93311, MedGen C1846843, MONDO:0011765, OMIM 607078.
Spondyloepimetaphyseal dysplasia, matrilin-3 type (SEMDBCD). Also called: Spondyloepimetaphyseal dysplasia, MATN3-related; SEMD, MATN3-RELATED. Identifiers: Orphanet 156728, MedGen C1837481, MONDO:0012108, OMIM 608728.
Osteoarthritis susceptibility 2 (OS2). Identifiers: MedGen C3887526, MONDO:0007704, OMIM 140600.
Connective tissue disorder. Also called: Connective tissue disease. Identifiers: MedGen C0009782, MONDO:0003900.

Allele frequency attached by ClinVar (database versions not stated): ExAC 0.01614; gnomAD exomes 0.01628 and 0.01513; gnomAD 0.01141 and 0.01128; 1000 Genomes Project 0.01398; TOPMed 0.01087; ESP Exome Variant Server 0.01146; 1000 Genomes Project 30x 0.01265.
gnomAD v4.1: 25,567 of 1,613,922 alleles (1.6%); highest among the groups gnomAD compares: South Asian, 4.4%; 321 homozygotes.

Submissions (10):

Women's Health and Genetics/Laboratory Corporation of America, LabCorp
Classification: Likely benign. Last evaluated: 2026-05-11. Review status: criteria provided, single submitter. Criteria: LabCorp Variant Classification Summary - May 2015. Collection method: clinical testing. Allele origin: germline.

Labcorp Genetics (formerly Invitae), Labcorp
Classification: Benign. Last evaluated: 2026-01-24. Review status: criteria provided, single submitter. Criteria: Invitae Variant Classification Sherloc (09022015). Collection method: clinical testing. Allele origin: germline.

Department of Pathology and Laboratory Medicine, Sinai Health System
Classification: Benign for Osteoarthritis susceptibility 2; Multiple epiphyseal dysplasia type 5; Spondyloepimetaphyseal dysplasia, matrilin-3 type. Last evaluated: 2023-04-17. Review status: criteria provided, single submitter. Criteria: ACMG Guidelines, 2015. Collection method: research. Allele origin: germline.

Genome Diagnostics Laboratory, The Hospital for Sick Children
Classification: Benign for Connective tissue disorder. Last evaluated: 2022-01-31. Review status: criteria provided, single submitter. Criteria: ACMG Guidelines, 2015. Collection method: clinical testing. Allele origin: germline.

Eurofins Ntd Llc (ga)
Classification: Benign. Last evaluated: 2018-05-22. Review status: criteria provided, single submitter. Criteria: EGL ClinVar v180209 classification definitions. Collection method: clinical testing. Allele origin: germline. Observed: 1 variant allele, 1 heterozygote.

Illumina Laboratory Services, Illumina
Classification: Benign for Multiple epiphyseal dysplasia type 5. Last evaluated: 2018-03-06. Review status: criteria provided, single submitter. Criteria: ICSL Variant Classification Criteria 13 December 2019. Collection method: clinical testing. Allele origin: germline.
Comment: This variant was observed in the ICSL laboratory as part of a predisposition screen in an ostensibly healthy population. It had not been previously curated by ICSL or reported in the Human Gene Mutation Database (HGMD: prior to June 1st, 2018), and was therefore a candidate for classification through an automated scoring system. Utilizing variant allele frequency, disease prevalence and penetrance estimates, and inheritance mode, an automated score was calculated to assess if this variant is too frequent to cause the disease. Based on the score and internal cut-off values, a variant classified as benign is not then subjected to further curation. The score for this variant resulted in a classification of benign for this disease.

Breakthrough Genomics
Classification: Benign. Review status: criteria provided, single submitter. Criteria: ACMG Guidelines, 2015. Collection method: not provided. Allele origin: germline. Inheritance: Other. Affected: yes.

PreventionGenetics, part of Exact Sciences
Classification: Benign for MATN3-related condition. Last evaluated: 2019-03-28. Review status: no assertion criteria provided. Collection method: clinical testing. Allele origin: germline. Not counted in ClinVar's aggregate classification.
Comment: This variant is classified as benign based on ACMG/AMP sequence variant interpretation guidelines (Richards et al. 2015 PMID: 25741868, with internal and published modifications).

OMIM
Classification: Pathogenic for EPIPHYSEAL DYSPLASIA, MULTIPLE, 5. Last evaluated: 2004-01-01. Review status: no assertion criteria provided. Collection method: literature only. Allele origin: germline. Not counted in ClinVar's aggregate classification.

OMIM
Classification: risk factor for OSTEOARTHRITIS SUSCEPTIBILITY 2. Last evaluated: 2003-06-01. Review status: no assertion criteria provided. Collection method: literature only. Allele origin: germline. Not counted in ClinVar's aggregate classification.

Literature cited by the submitters: PubMed 14729835 (cited by OMIM); PubMed 12736871 (cited by OMIM).

NM_002381.5(MATN3):c.908C>T (p.Thr303Met)

Genes: MATN3 (matrilin 3; minus strand), WDR35-DT (WDR35 divergent transcript; plus strand). Cytogenetic location: 2p24.1.
Variant type: single nucleotide variant.
Coding change: c.908C>T on transcript NM_002381.5 (MANE Select); coding-DNA position 908, C replaced by T.
Protein change: p.Thr303Met; replaces threonine 303 with methionine.
Molecular consequence: missense variant.
Genome position (GRCh38, 1-based): chr2:20,003,169, G>A on the plus strand (C>T on the coding strand, the complement: MATN3 is on the minus strand). VCF-style: chr2-20003169-G-A. GRCh37 (hg19) VCF-style: chr2-20202930-G-A.
Other names: short protein forms T303M.
Identifiers: ClinVar variation 7542 (VCV000007542.26), dbSNP rs77245812, ClinGen allele CA118876.